The following is an entry in ClinVar:

ClinVar aggregate classification (germline): Likely benign (0 of 4 stars; one submission).

Conditions:
POMC-related disorder. Also called: POMC-related disorders; POMC-related condition.

gnomAD v4.1: 1 of 1,614,082 alleles (0.000062%); highest among the groups gnomAD compares: Non-Finnish European, 0.000085%; no homozygotes.

Submission:

PreventionGenetics, part of Exact Sciences
Classification: Likely benign for POMC-related condition. Last evaluated: 2022-12-27. Review status: no assertion criteria provided. Collection method: clinical testing. Allele origin: germline.
Comment: This variant is classified as likely benign based on ACMG/AMP sequence variant interpretation guidelines (Richards et al. 2015 PMID: 25741868, with internal and published modifications).

NM_000939.4(POMC):c.127C>T (p.Leu43=)

Gene: POMC (proopiomelanocortin; minus strand). Cytogenetic location: 2p23.3.
Variant type: single nucleotide variant.
Coding change: c.127C>T on transcript NM_000939.4 (MANE Select); coding-DNA position 127, C replaced by T.
Protein change: p.Leu43=; no amino-acid change (leucine 43 retained).
Molecular consequence: synonymous variant.
Genome position (GRCh38, 1-based): chr2:25,164,646, G>A on the plus strand (C>T on the coding strand, the complement: POMC is on the minus strand). VCF-style: chr2-25164646-G-A. GRCh37 (hg19) VCF-style: chr2-25387515-G-A.
Other names: c.127C>T, p.Leu43= (NM_001035256.3, NM_001319204.2, NM_001319205.2).
Identifiers: ClinVar variation 3356752 (VCV003356752.1).
Genomic context (GRCh38, chr2:25,164,646, plus strand): 5'-CCAGCTCCAGTCCCATCTAATGTCTAAGCCAAGATGGCAGTCATGGCCCACGTACCAGCA[G>A]GTTGCTTTCCGTGGTGAGGTCCTGACACTGGCTGCTCTCCAGGCACCAGCCACGCACTTC-3'
Protein context (NP_000930.1, residues 33-53): QCQDLTTESN[Leu43=]LECIRACKPD